The following is an entry in ClinVar:

ClinVar aggregate classification (germline): Uncertain significance (1 of 4 stars; one submission).

Submission:

GeneDx
Classification: Uncertain significance. Last evaluated: 2019-07-29. Review status: criteria provided, single submitter. Criteria: GeneDx Variant Classification Process June 2021. Collection method: clinical testing. Allele origin: germline. Affected: yes.
Comment: Frameshift variant predicted to result in protein truncation or nonsense mediated decay in a gene for which loss-of-function is not a known mechanism of disease; Not observed in large population cohorts (Lek et al., 2016); Has not been previously published as pathogenic or benign to our knowledge

NM_018026.4(PACS1):c.2325dup (p.Thr776fs)

Gene: PACS1 (phosphofurin acidic cluster sorting protein 1; plus strand). Cytogenetic location: 11q13.2.
Variant type: Duplication.
Coding change: c.2325dup on transcript NM_018026.4 (MANE Select); coding-DNA position 2325, one base duplicated (T; older notation c.2325dupT).
Protein change: p.Thr776fs; shifts the reading frame from threonine 776.
Molecular consequence: frameshift variant.
Genome position (GRCh38, 1-based): chr11:66,239,173, T duplicated; the last of 2 consecutive T bases (chr11:66,239,172-66,239,173); duplicating either gives the same sequence. VCF-style (leftmost placement, unchanged base first): chr11-66239171-C-CT. GRCh37 (hg19) VCF-style: chr11-66006642-C-CT.
Other names: short protein forms T776fs.
Identifiers: ClinVar variation 1307028 (VCV001307028.2), dbSNP rs2134748691, ClinGen allele CA2573053546.